The following is an entry in ClinVar:

NC_000015.9:g.(?_44856725)_(44856916_?)del

Gene: SPG11 (SPG11 vesicle trafficking associated, spatacsin; minus strand). Cytogenetic location: 15q21.1.
Variant type: Deletion.
Identifiers: ClinVar variation 3243785 (VCV003243785.1).

ClinVar aggregate classification (germline): Pathogenic (1 of 4 stars; one submission).

Conditions:
Hereditary spastic paraplegia 11. Also called: Spastic paraplegia, mental retardation and thin corpus callosum; SPASTIC PARAPLEGIA, AUTOSOMAL RECESSIVE, COMPLICATED, WITH THIN CORPUS CALLOSUM; SPASTIC PARAPLEGIA, AUTOSOMAL RECESSIVE, WITH MENTAL IMPAIRMENT AND THIN CORPUS CALLOSUM; Spastic Paraplegia 11; Nakamura Osame syndrome; Autosomal recessive hereditary spastic paraplegia, mental impairment, and thin corpus callosum. Identifiers: Orphanet 2822, MedGen C1858479, MONDO:0011445, OMIM 604360.

Submission:

Labcorp Genetics (formerly Invitae), Labcorp
Classification: Pathogenic for Hereditary spastic paraplegia 11. Last evaluated: 2023-10-22. Review status: criteria provided, single submitter. Criteria: Invitae Variant Classification Sherloc (09022015). Collection method: clinical testing. Allele origin: unknown.
Comment: This variant is a gross deletion of the genomic region encompassing exon(s) 39 of the SPG11 gene. While this deletion is not anticipated to lead to nonsense mediated decay, it is expected to disrupt the C-terminus of the protein. This variant has not been reported in the literature in individuals affected with SPG11-related conditions. This variant disrupts a region of the SPG11 protein in which other variant(s) (p.His2388Thrfs*6) have been determined to be pathogenic (PMID: 33624863; Invitae). This suggests that this is a clinically significant region of the protein, and that variants that disrupt it are likely to be disease-causing. For these reasons, this variant has been classified as Pathogenic.

Literature cited by the submitters: PubMed 33624863.